The following is an entry in ClinVar:

ClinVar aggregate classification (germline): Likely benign (1 of 4 stars; one submission).

Conditions:
ZBTB47-related condition.

gnomAD v4.1: 949 of 1,590,934 alleles (0.06%); highest among the groups gnomAD compares: Middle Eastern, 0.51%; 8 homozygotes.

Submission:

PreventionGenetics, part of Exact Sciences
Classification: Likely benign for ZBTB47-related condition. Last evaluated: 2025-05-15. Review status: criteria provided, single submitter. Criteria: ACMG Guidelines, 2015. Collection method: clinical testing. Allele origin: germline.
Comment: This variant is classified as likely benign based on ACMG/AMP sequence variant interpretation guidelines (Richards et al. 2015 PMID: 25741868, with internal and published modifications).

NM_145166.4(ZBTB47):c.1473+7C>T

Gene: ZBTB47 (zinc finger and BTB domain containing 47; plus strand). Cytogenetic location: 3p22.1.
Variant type: single nucleotide variant.
Coding change: c.1473+7C>T on transcript NM_145166.4 (MANE Select); 7 bases into the intron after coding-DNA position 1473, C replaced by T.
Molecular consequence: intron variant.
Genome position (GRCh38, 1-based): chr3:42,659,835, C>T. VCF-style: chr3-42659835-C-T. GRCh37 (hg19) VCF-style: chr3-42701327-C-T.
Other names: c.1557+7C>T (NM_001410746.1).
Identifiers: ClinVar variation 4980495 (VCV004980495.1).
Genomic context (GRCh38, chr3:42,659,835, plus strand): 5'-CTGGAGAGCGAGCTGCTGCTGCACAGGCAGACAGACTGCGAGCGCAACATCCAGGTGGGC[C>T]TCACGTGGCTGGGGGCAGGGCAGAGGCTGTCCAGGTGGGGCTAGGCCATAACTGGGCTCT-3'